The following is an entry in ClinVar:

NM_133379.5(TTN):c.15778A>G (p.Ile5260Val)

Gene: TTN (titin; minus strand). Cytogenetic location: 2q31.2.
Variant type: single nucleotide variant.
Coding change: c.15778A>G on transcript NM_133379.5; coding-DNA position 15778, A replaced by G.
Protein change: p.Ile5260Val; replaces isoleucine 5260 with valine.
Molecular consequence: missense variant. On other transcripts: intron variant (6).
Genome position (GRCh38, 1-based): chr2:178,746,622, T>C on the plus strand (A>G on the coding strand, the complement: TTN is on the minus strand). VCF-style: chr2-178746622-T-C. GRCh37 (hg19) VCF-style: chr2-179611349-T-C.
Other names: c.10223-4701A>G (NM_003319.4); c.10799-4701A>G (NM_133437.4); c.10598-4701A>G (NM_133432.3); c.10360+6502A>G (NM_133378.4); c.10361-4701A>G (NM_001256850.1); c.11312-4701A>G (NM_001267550.2); short protein forms I5260V.
Identifiers: ClinVar variation 166249 (VCV000166249.10), dbSNP rs369214339, ClinGen allele CA179067.

ClinVar aggregate classification (germline): Uncertain significance. Review status: criteria provided, multiple submitters, no conflicts (2 of 4 stars). 4 submissions from 4 submitters: Uncertain significance (3). 1 of the submissions does not count toward it. Last evaluated 2024-10-11.

Allele frequency attached by ClinVar (database versions not stated): gnomAD exomes 0.00005 and 0.00011; ExAC 0.00007; ESP Exome Variant Server 0.00008; gnomAD 0.00012 and 0.00013; TOPMed 0.00012.
gnomAD v4.1: 93 of 1,613,242 alleles (0.0058%); highest among the groups gnomAD compares: Admixed American, 0.01%; no homozygotes.

Submissions (4):

Blueprint Genetics
Classification: Uncertain significance. Last evaluated: 2024-10-11. Review status: criteria provided, single submitter. Criteria: ACMG Guidelines, 2015. Collection method: clinical testing. Allele origin: germline.

ARUP Laboratories, Molecular Genetics and Genomics, ARUP Laboratories
Classification: Uncertain significance. Last evaluated: 2022-06-28. Review status: criteria provided, single submitter. Criteria: ARUP Molecular Germline Variant Investigation Process 2021. Collection method: clinical testing. Allele origin: germline.
Comment: The TTN NM_133379.5: c.15778A>G; p.Ile5260Val variant (rs369214339; ClinVar Variation ID: 166249) is rare in the general population (<0.2% allele frequency in the Genome Aggregation Database) and has not been reported in the medical literature in association with dilated cardiomyopathy (DCM) or other TTN-related disease. The clinical relevance of rare missense variants in this gene, which are identified on average once per individual sequenced in affected populations (Herman 2012), is not well understood. Yet, evidence suggests that the vast majority of such missense variants do not contribute to the clinical outcome of DCM (Begay 2015). Thus, the clinical significance of the p.Ile5260Val variant cannot be determined with certainty.

Laboratory for Molecular Medicine, Mass General Brigham Personalized Medicine
Classification: Uncertain significance. Last evaluated: 2013-08-30. Review status: criteria provided, single submitter. Criteria: LMM Criteria. Collection method: clinical testing. Allele origin: germline. Observed: 1 variant allele.
Comment: The Ile5260Val variant in TTN has not been previously reported in individuals wi th cardiomyopathy, but has been identified in 1/8600 European American chromosom es by the NHLBI Exome Sequencing Project (dbS NP rs369214339). Computational analyses are limited or unavailable for this vari ant. Additional studies are need to fully assess the clinical significance of th is variant.

Department of Pathology and Laboratory Medicine, Sinai Health System
Classification: Uncertain significance. Review status: no assertion criteria provided. Collection method: clinical testing. Allele origin: unknown. Affected: yes. Study: The Canadian Open Genetics Repository (COGR). Not counted in ClinVar's aggregate classification.
Comment: The TTN p.Ile5260Val variant was not identified in the literature nor was it identified in LOVD 3.0. The variant was identified in dbSNP (ID: rs369214339) and ClinVar (classified as uncertain significance by Laboratory for Molecular Medicine). The variant was identified in control databases in 28 of 250494 chromosomes at a frequency of 0.000112 (Genome Aggregation Database March 6, 2019, v2.1.1). The variant was observed in the following populations: Ashkenazi Jewish in 20 of 10060 chromosomes (freq: 0.001988), Latino in 4 of 34466 chromosomes (freq: 0.000116) and European (non-Finnish) in 4 of 113092 chromosomes (freq: 0.000035), but was not observed in the African, East Asian, European (Finnish), Other, or South Asian populations. The p.Ile5260 has limited species conservation data and computational analyses (PolyPhen-2, BLOSUM, MutationTaster) provide inconsistent predictions regarding the impact to the protein. The variant occurs outside of the splicing consensus sequence and in silico or computational prediction software programs (SpliceSiteFinder, MaxEntScan, NNSPLICE, GeneSplicer) do not predict a difference in splicing. In summary, based on the above information the clinical significance of this variant cannot be determined with certainty at this time. This variant is classified as a variant of uncertain significance.